The following is an entry in ClinVar:

ClinVar aggregate classification (germline): Likely pathogenic (1 of 4 stars; one submission).

Conditions:
Oculocerebrodental syndrome (OCSKD). Also called: OCULOSKELETODENTAL SYNDROME; CATARACTS, EARLY-ONSET, WITH SKELETAL AND DENTAL ANOMALIES. Identifiers: Orphanet 557003, MedGen C5193101, MONDO:0034145, OMIM 618440.

Submission:

Laboratorio de Genetica e Diagnostico Molecular, Hospital Israelita Albert Einstein
Classification: Likely pathogenic for Oculocerebrodental syndrome. Last evaluated: 2025-02-07. Review status: criteria provided, single submitter. Criteria: ACMG Guidelines, 2015. Collection method: clinical testing. Allele origin: germline. Affected: yes.
Comment: ACMG classification criteria: PVS1 very strong, PM2 supporting

NM_002645.4(PIK3C2A):c.3456_3457del (p.Met1152fs)

Gene: PIK3C2A (phosphatidylinositol-4-phosphate 3-kinase catalytic subunit type 2 alpha; minus strand). Cytogenetic location: 11p15.1.
Variant type: Deletion.
Coding change: c.3456_3457del on transcript NM_002645.4 (MANE Select); coding-DNA positions 3456 to 3457, 2 bases deleted (GA; older notation c.3456_3457delGA).
Protein change: p.Met1152fs; shifts the reading frame from methionine 1152.
Molecular consequence: frameshift variant.
Genome position (GRCh38, 1-based): chr11:17,110,519-17,110,520, TC deleted on the plus strand (GA on the coding strand, the reverse complement: PIK3C2A is on the minus strand). VCF-style (leftmost placement, unchanged base first): chr11-17110518-ATC-A. GRCh37 (hg19) VCF-style: chr11-17132065-ATC-A.
Other names: c.3456_3457del, p.Met1152fs (NM_001321378.2); c.2316_2317del, p.Met772fs (NM_001321380.2); c.3288_3289del, p.Met1096fs (NM_001386870.1); short protein forms M1096fs, M1152fs, M772fs.
Identifiers: ClinVar variation 4056725 (VCV004056725.1).